The following is an entry in ClinVar:

NM_001146.5(ANGPT1):c.878G>C (p.Gly293Ala)

Gene: ANGPT1 (angiopoietin 1; minus strand). Cytogenetic location: 8q23.1.
Variant type: single nucleotide variant.
Coding change: c.878G>C on transcript NM_001146.5 (MANE Select); coding-DNA position 878, G replaced by C.
Protein change: p.Gly293Ala; replaces glycine 293 with alanine.
Molecular consequence: missense variant.
Genome position (GRCh38, 1-based): chr8:107,303,298, C>G on the plus strand (G>C on the coding strand, the complement: ANGPT1 is on the minus strand). VCF-style: chr8-107303298-C-G. GRCh37 (hg19) VCF-style: chr8-108315526-C-G.
Other names: c.875G>C, p.Gly292Ala (NM_001199859.3); c.278G>C, p.Gly93Ala (NM_001314051.2); short protein forms G293A, G93A, G292A.
Identifiers: ClinVar variation 1387699 (VCV001387699.6), dbSNP rs1814637117, ClinGen allele CA372033335.

ClinVar aggregate classification (germline): Uncertain significance (1 of 4 stars; one submission).

Allele frequency attached by ClinVar (database versions not stated): TOPMed below 0.00001; gnomAD exomes below 0.00001.
gnomAD v4.1: 1 of 1,603,508 alleles (0.000062%); highest among the groups gnomAD compares: Non-Finnish European, 0.000085%; no homozygotes.

Submission:

Labcorp Genetics (formerly Invitae), Labcorp
Classification: Uncertain significance. Last evaluated: 2025-08-12. Review status: criteria provided, single submitter. Criteria: Invitae Variant Classification Sherloc (09022015). Collection method: clinical testing. Allele origin: germline.
Comment: This sequence change replaces glycine, which is neutral and non-polar, with alanine, which is neutral and non-polar, at codon 293 of the ANGPT1 protein (p.Gly293Ala). This variant is not present in population databases (gnomAD no frequency). This variant has not been reported in the literature in individuals affected with ANGPT1-related conditions. ClinVar contains an entry for this variant (Variation ID: 1387699). An algorithm developed to predict the effect of missense changes on protein structure and function (PolyPhen-2) suggests that this variant is likely to be disruptive. In summary, the available evidence is currently insufficient to determine the role of this variant in disease. Therefore, it has been classified as a Variant of Uncertain Significance.